The following is an entry in ClinVar:

NM_001330360.2(POLA1):c.3110A>G (p.Lys1037Arg)

Gene: POLA1 (DNA polymerase alpha 1, catalytic subunit; plus strand). Cytogenetic location: Xp22.11.
Variant type: single nucleotide variant.
Coding change: c.3110A>G on transcript NM_001330360.2 (MANE Select); coding-DNA position 3110, A replaced by G.
Protein change: p.Lys1037Arg; replaces lysine 1037 with arginine.
Molecular consequence: missense variant. On other transcripts: non-coding transcript variant (2).
Genome position (GRCh38, 1-based): chrX:24,812,677, A>G. VCF-style: chrX-24812677-A-G. GRCh37 (hg19) VCF-style: chrX-24830794-A-G.
Other names: c.3035A>G, p.Lys1012Arg (NM_001378303.1); c.3110A>G, p.Lys1037Arg (NM_001440806.1); c.3092A>G, p.Lys1031Arg (NM_016937.4); short protein forms K1037R, K1012R, K1031R.
Identifiers: ClinVar variation 4774419 (VCV004774419.1).

ClinVar aggregate classification (germline): Uncertain significance (1 of 4 stars; one submission).

gnomAD v4.1: 2 of 1,192,107 alleles (0.00017%); highest among the groups gnomAD compares: Non-Finnish European, 0.00023%; no homozygotes.

Submission:

Labcorp Genetics (formerly Invitae), Labcorp
Classification: Uncertain significance. Last evaluated: 2025-12-16. Review status: criteria provided, single submitter. Criteria: Invitae Variant Classification Sherloc (09022015). Collection method: clinical testing. Allele origin: germline.
Comment: This sequence change replaces lysine, which is basic and polar, with arginine, which is basic and polar, at codon 1031 of the POLA1 protein (p.Lys1031Arg). This variant is not present in population databases (gnomAD no frequency). This variant has not been reported in the literature in individuals affected with POLA1-related conditions. Invitae Evidence Modeling of protein sequence and biophysical properties (such as structural, functional, and spatial information, amino acid conservation, physicochemical variation, residue mobility, and thermodynamic stability) indicates that this missense variant is not expected to disrupt POLA1 protein function with a negative predictive value of 80%. In summary, the available evidence is currently insufficient to determine the role of this variant in disease. Therefore, it has been classified as a Variant of Uncertain Significance.